The following is an entry in ClinVar:

ClinVar aggregate classification (germline): Benign/Likely benign. Review status: criteria provided, multiple submitters, no conflicts (2 of 4 stars). 3 submissions from 3 submitters: Benign (2); Likely benign (1). Last evaluated 2025-11-01.

Allele frequency attached by ClinVar (database versions not stated): 1000 Genomes Project 30x 0.00094; 1000 Genomes Project 0.00120; ESP Exome Variant Server 0.00161; TOPMed 0.00194; gnomAD exomes 0.00282 and 0.00321; ExAC 0.00337; gnomAD 0.00385.
gnomAD v4.1: 4,535 of 1,606,284 alleles (0.28%); highest among the groups gnomAD compares: Non-Finnish European, 0.29%; 11 homozygotes.

Submissions (3):

CeGaT Center for Human Genetics Tuebingen
Classification: Likely benign. Last evaluated: 2025-11-01. Review status: criteria provided, single submitter. Criteria: CeGaT Center For Human Genetics Tuebingen Variant Classification Criteria Version 2. Collection method: clinical testing. Allele origin: germline. Affected: yes. Observed: 1 variant allele.
Comment: PLXNA4: BP4, BS2

Labcorp Genetics (formerly Invitae), Labcorp
Classification: Benign. Last evaluated: 2018-12-04. Review status: criteria provided, single submitter. Criteria: Invitae Variant Classification Sherloc (09022015). Collection method: clinical testing. Allele origin: germline.

Breakthrough Genomics
Classification: Benign. Review status: criteria provided, single submitter. Criteria: ACMG Guidelines, 2015. Collection method: not provided. Allele origin: germline. Inheritance: Unknown mechanism. Affected: yes.

NM_020911.2(PLXNA4):c.1270G>A (p.Val424Ile)

Gene: PLXNA4 (plexin A4; minus strand). Cytogenetic location: 7q32.3.
Variant type: single nucleotide variant.
Coding change: c.1270G>A on transcript NM_020911.2 (MANE Select); coding-DNA position 1270, G replaced by A.
Protein change: p.Val424Ile; replaces valine 424 with isoleucine.
Molecular consequence: missense variant.
Genome position (GRCh38, 1-based): chr7:132,489,393, C>T on the plus strand (G>A on the coding strand, the complement: PLXNA4 is on the minus strand). VCF-style: chr7-132489393-C-T. GRCh37 (hg19) VCF-style: chr7-132174152-C-T.
Other names: c.1270G>A, p.Val424Ile (NM_001105543.2, NM_001393897.1, NM_181775.4); short protein forms V424I.
Identifiers: ClinVar variation 708566 (VCV000708566.10), dbSNP rs142997259, ClinGen allele CA4490323.